The following is an entry in ClinVar:

NM_000540.3(RYR1):c.7615-13C>T

Gene: RYR1 (ryanodine receptor 1; plus strand). Cytogenetic location: 19q13.2.
Variant type: single nucleotide variant.
Coding change: c.7615-13C>T on transcript NM_000540.3 (MANE Select); 13 bases into the intron before coding-DNA position 7615, C replaced by T.
Molecular consequence: intron variant.
Genome position (GRCh38, 1-based): chr19:38,502,494, C>T. VCF-style: chr19-38502494-C-T. GRCh37 (hg19) VCF-style: chr19-38993134-C-T.
Other names: c.7615-13C>T (NM_001042723.2).
Identifiers: ClinVar variation 512232 (VCV000512232.9), dbSNP rs1331219827, ClinGen allele CA633066605.

ClinVar aggregate classification (germline): Likely benign. Review status: criteria provided, multiple submitters, no conflicts (2 of 4 stars). 3 submissions from 3 submitters: Likely benign (3). Last evaluated 2024-04-17.

Conditions:
RYR1-related disorder. Also called: RYR1-related condition; RYR1-related disorders. Identifiers: MedGen CN239331.
Malignant hyperthermia, susceptibility to, 1 (MHS1). Also called: Anesthesia related hyperthermia; Malignant hyperpyrexia; Fulminating hyperpyrexia; Pharmacogenic myopathy; RYR1-Related Malignant Hyperthermia Susceptibility; Malignant hyperthermia suceptibility 1. Identifiers: Orphanet 423, MedGen C2930980, MONDO:0007783, OMIM 145600.

Allele frequency attached by ClinVar (database versions not stated): gnomAD exomes 0.00002; TOPMed 0.00002.

Submissions (3):

Labcorp Genetics (formerly Invitae), Labcorp
Classification: Likely benign for RYR1-related disorder. Last evaluated: 2024-04-17. Review status: criteria provided, single submitter. Criteria: Invitae Variant Classification Sherloc (09022015). Collection method: clinical testing. Allele origin: germline.

Color Diagnostics, LLC DBA Color Health
Classification: Likely benign for Malignant hyperthermia, susceptibility to, 1. Last evaluated: 2022-12-12. Review status: criteria provided, single submitter. Criteria: ACMG Guidelines, 2015. Collection method: clinical testing. Allele origin: germline.

GeneDx
Classification: Likely benign. Last evaluated: 2017-09-22. Review status: criteria provided, single submitter. Criteria: GeneDx Variant Classification (06012015). Collection method: clinical testing. Allele origin: germline. Affected: yes.
Comment: This variant is considered likely benign or benign based on one or more of the following criteria: it is a conservative change, it occurs at a poorly conserved position in the protein, it is predicted to be benign by multiple in silico algorithms, and/or has population frequency not consistent with disease.